The following is an entry in ClinVar:

NM_032242.4(PLXNA1):c.3279C>G (p.Gly1093=)

Gene: PLXNA1 (plexin A1; plus strand). Cytogenetic location: 3q21.3.
Variant type: single nucleotide variant.
Coding change: c.3279C>G on transcript NM_032242.4 (MANE Select); coding-DNA position 3279, C replaced by G.
Protein change: p.Gly1093=; no amino-acid change (glycine 1093 retained).
Molecular consequence: synonymous variant.
Genome position (GRCh38, 1-based): chr3:127,017,427, C>G. VCF-style: chr3-127017427-C-G. GRCh37 (hg19) VCF-style: chr3-126736270-C-G.
Identifiers: ClinVar variation 4985249 (VCV004985249.1).
Genomic context (GRCh38, chr3:127,017,427, plus strand): 5'-GGGAGCTGCCGGGCCACTCGCGGAGGTCCCGCCCAGCATCCCCACCCTGTGTCTCCAGGG[C>G]TGCCTGGTGTACAATGACACCACCATGGTATGCCGCGCCCCGTCTGTGGCCAACCCTGTG-3'
Protein context (NP_115618.3, residues 1083-1103): AKYGGIEREN[Gly1093=]CLVYNDTTMV

ClinVar aggregate classification (germline): Likely benign (1 of 4 stars; one submission).

Conditions:
PLXNA1-related disorder. Also called: PLXNA1-related condition.

Submission:

PreventionGenetics, part of Exact Sciences
Classification: Likely benign for PLXNA1-related condition. Last evaluated: 2026-06-29. Review status: criteria provided, single submitter. Criteria: ACMG Guidelines, 2015. Collection method: clinical testing. Allele origin: germline.
Comment: This variant is classified as likely benign based on ACMG/AMP sequence variant interpretation guidelines (Richards et al. 2015 PMID: 25741868, with internal and published modifications).